The following is an entry in ClinVar:

ClinVar aggregate classification (germline): Likely pathogenic (1 of 4 stars; one submission).

Submission:

GeneDx
Classification: Likely pathogenic. Last evaluated: 2017-03-27. Review status: criteria provided, single submitter. Criteria: GeneDx Variant Classification (06012015). Collection method: clinical testing. Allele origin: germline. Affected: yes.
Comment: The G736A variant in the POLR3B gene has not been reported previously as a pathogenic variant, nor as a benign variant, to our knowledge. The G736A variant is not observed in large population cohorts (Lek et al., 2016; 1000 Genomes Consortium et al., 2015; Exome Variant Server). The G736A variant is a conservative amino acid substitution, which is not likely to impact secondary protein structure as these residues share similar properties. This substitution occurs at a position that is conserved across species, and in silico analysis predicts this variant is probably damaging to the protein structure/function. The G736A variant is a strong candidate for a pathogenic variant.

NM_018082.6(POLR3B):c.2207G>C (p.Gly736Ala)

Gene: POLR3B (RNA polymerase III subunit B; plus strand). Cytogenetic location: 12q23.3.
Variant type: single nucleotide variant.
Coding change: c.2207G>C on transcript NM_018082.6 (MANE Select); coding-DNA position 2207, G replaced by C.
Protein change: p.Gly736Ala; replaces glycine 736 with alanine.
Molecular consequence: missense variant.
Genome position (GRCh38, 1-based): chr12:106,454,625, G>C. VCF-style: chr12-106454625-G-C. GRCh37 (hg19) VCF-style: chr12-106848403-G-C.
Other names: c.2033G>C, p.Gly678Ala (NM_001160708.2); short protein forms G736A, G678A.
Identifiers: ClinVar variation 424315 (VCV000424315.2), dbSNP rs1064796907, ClinGen allele CA16619423.